The following is an entry in ClinVar:

ClinVar aggregate classification (germline): Uncertain significance (1 of 4 stars; one submission).

Conditions:
Inborn genetic diseases. Identifiers: MedGen C0950123, MeSH D030342.

Allele frequency attached by ClinVar (database versions not stated): gnomAD 0.00001; TOPMed 0.00002.

Submission:

Ambry Genetics
Classification: Uncertain significance for Inborn genetic diseases. Last evaluated: 2023-12-29. Review status: criteria provided, single submitter. Criteria: Ambry Variant Classification Scheme 2023. Collection method: clinical testing. Allele origin: germline.
Comment: The p.I578T variant (also known as c.1733T>C), located in coding exon 12 of the MIB1 gene, results from a T to C substitution at nucleotide position 1733. The isoleucine at codon 578 is replaced by threonine, an amino acid with similar properties. This amino acid position is conserved. In addition, the in silico prediction for this alteration is inconclusive. Since supporting evidence is limited at this time, the clinical significance of this alteration remains unclear.

NM_020774.4(MIB1):c.1733T>C (p.Ile578Thr)

Gene: MIB1 (MIB E3 ubiquitin protein ligase 1; plus strand). Cytogenetic location: 18q11.2.
Variant type: single nucleotide variant.
Coding change: c.1733T>C on transcript NM_020774.4 (MANE Select); coding-DNA position 1733, T replaced by C.
Protein change: p.Ile578Thr; replaces isoleucine 578 with threonine.
Molecular consequence: missense variant.
Genome position (GRCh38, 1-based): chr18:21,819,550, T>C. VCF-style: chr18-21819550-T-C. GRCh37 (hg19) VCF-style: chr18-19399511-T-C.
Other names: short protein forms I578T.
Identifiers: ClinVar variation 3227410 (VCV003227410.1), dbSNP rs941305109, ClinGen allele CA297004671.